The following is an entry in ClinVar:

NM_001035.3(RYR2):c.2697G>C (p.Glu899Asp)

Gene: RYR2 (ryanodine receptor 2; plus strand). Cytogenetic location: 1q43.
Variant type: single nucleotide variant.
Coding change: c.2697G>C on transcript NM_001035.3 (MANE Select); coding-DNA position 2697, G replaced by C.
Protein change: p.Glu899Asp; replaces glutamic acid 899 with aspartic acid.
Molecular consequence: missense variant.
Genome position (GRCh38, 1-based): chr1:237,506,793, G>C. VCF-style: chr1-237506793-G-C. GRCh37 (hg19) VCF-style: chr1-237670093-G-C.
Other names: short protein forms E899D.
Identifiers: ClinVar variation 1171376 (VCV001171376.4), dbSNP rs1290085302, ClinGen allele CA345381393.

ClinVar aggregate classification (germline): Uncertain significance. Review status: criteria provided, multiple submitters, no conflicts (2 of 4 stars). 2 submissions from 2 submitters: Uncertain significance (2). Last evaluated 2024-09-23.

Conditions:
Catecholaminergic polymorphic ventricular tachycardia (CVPT). Also called: Catecholamine-induced polymorphic ventricular tachycardia. Identifiers: Orphanet 3286, MedGen C5574922, MONDO:0017990.
Cardiomyopathy (CMYO). Also called: Cardiomyopathies. Identifiers: Orphanet 167848, MedGen C0878544, MONDO:0004994, HP:0001638. Inheritance: Various modes of inheritance.

Allele frequency attached by ClinVar (database versions not stated): gnomAD exomes below 0.00001.
gnomAD v4.1: 1 of 1,613,628 alleles (0.000062%); highest among the groups gnomAD compares: East Asian, 0.0022%; no homozygotes.

Submissions (2):

All of Us Research Program, National Institutes of Health
Classification: Uncertain significance for Catecholaminergic polymorphic ventricular tachycardia. Last evaluated: 2024-09-23. Review status: criteria provided, single submitter. Criteria: ACMG Guidelines, 2015. Collection method: clinical testing. Allele origin: germline. Inheritance: Autosomal dominant inheritance. Observed: 1 variant allele, 1 heterozygote.
Comment: This missense variant replaces glutamic acid with aspartic acid at codon 899 of the RYR2 protein. Computational prediction suggests that this variant may not impact protein structure and function (internally defined REVEL score threshold <= 0.5, PMID: 27666373). To our knowledge, functional studies have not been reported for this variant. This variant has not been reported in individuals affected with cardiovascular disorders in the literature. This variant has been identified in 1/248938 chromosomes in the general population by the Genome Aggregation Database (gnomAD). The available evidence is insufficient to determine the role of this variant in disease conclusively. Therefore, this variant is classified as a Variant of Uncertain Significance.

This study involves interpretation of variants in research participants for the purpose of population health screening. Participant phenotype was not available at the time of variant classification. Additional details can be found in publication PMID: 35346344, PMCID: PMC8962531

Color Diagnostics, LLC DBA Color Health
Classification: Uncertain significance for Cardiomyopathy. Last evaluated: 2024-03-07. Review status: criteria provided, single submitter. Criteria: ACMG Guidelines, 2015. Collection method: clinical testing. Allele origin: germline.
Comment: This missense variant replaces glutamic acid with aspartic acid at codon 899 of the RYR2 protein. Computational prediction suggests that this variant may not impact protein structure and function (internally defined REVEL score threshold <= 0.5, PMID: 27666373). To our knowledge, functional studies have not been reported for this variant. This variant has not been reported in individuals affected with cardiovascular disorders in the literature. This variant has been identified in 1/248938 chromosomes in the general population by the Genome Aggregation Database (gnomAD). The available evidence is insufficient to determine the role of this variant in disease conclusively. Therefore, this variant is classified as a Variant of Uncertain Significance.